The following is an entry in ClinVar:

NM_206933.4(USH2A):c.11431_11434del (p.Leu3811fs)

Gene: USH2A (usherin; minus strand). Cytogenetic location: 1q41.
Variant type: Deletion.
Coding change: c.11431_11434del on transcript NM_206933.4 (MANE Select); coding-DNA positions 11431 to 11434, 4 bases deleted (CTCA; older notation c.11431_11434delCTCA).
Protein change: p.Leu3811fs; shifts the reading frame from leucine 3811.
Molecular consequence: frameshift variant.
Genome position (GRCh38, 1-based): chr1:215,743,291-215,743,294, TGAG deleted on the plus strand (CTCA on the coding strand, the reverse complement: USH2A is on the minus strand); deleting any 4 consecutive bases within chr1:215,743,291-215,743,295 gives the same sequence; the c. name uses the placement nearest the transcript's 3' end. VCF-style (leftmost placement, unchanged base first): chr1-215743290-TTGAG-T. GRCh37 (hg19) VCF-style: chr1-215916632-TTGAG-T.
Other names: c.11431_11434del (NM_206933.2); short protein forms L3811fs.
Identifiers: ClinVar variation 558490 (VCV000558490.12), dbSNP rs1553257705, ClinGen allele CA529002165.

ClinVar aggregate classification (germline): Pathogenic/Likely pathogenic. Review status: criteria provided, multiple submitters, no conflicts (2 of 4 stars). 6 submissions from 5 submitters: Pathogenic (1); Likely pathogenic (4). 1 of the submissions does not count toward it. Last evaluated 2025-12-09.

Conditions:
Usher syndrome type 2A. Also called: RETINAL DISEASE IN USHER SYNDROME TYPE IIA, MODIFIER OF; USHER SYNDROME, TYPE IIA. Identifiers: Orphanet 231178, Orphanet 886, MedGen C1848634, MONDO:0010169, OMIM 276901.
Retinitis pigmentosa 39 (RP39). Identifiers: Orphanet 791, MedGen C3151138, MONDO:0013436, OMIM 613809.
USH2A-related disorder. Also called: USH2A-related disorders; USH2A-related condition. Identifiers: MedGen CN239332.

Submissions (6):

Labcorp Genetics (formerly Invitae), Labcorp
Classification: Pathogenic. Last evaluated: 2025-12-09. Review status: criteria provided, single submitter. Criteria: Invitae Variant Classification Sherloc (09022015). Collection method: clinical testing. Allele origin: germline.
Comment: This sequence change creates a premature translational stop signal (p.Leu3811Metfs*5) in the USH2A gene. It is expected to result in an absent or disrupted protein product. Loss-of-function variants in USH2A are known to be pathogenic (PMID: 10729113, 10909849, 20507924, 25649381). This variant is present in population databases (no rsID available, gnomAD 0.006%). This variant has not been reported in the literature in individuals affected with USH2A-related conditions. ClinVar contains an entry for this variant (Variation ID: 558490). For these reasons, this variant has been classified as Pathogenic.

Baylor Genetics
Classification: Likely pathogenic for Retinitis pigmentosa 39. Last evaluated: 2024-01-22. Review status: criteria provided, single submitter. Criteria: ACMG Guidelines, 2015. Collection method: clinical testing. Allele origin: unknown.

Genome-Nilou Lab
Classification: Likely pathogenic for Retinitis pigmentosa 39. Last evaluated: 2023-11-04. Review status: criteria provided, single submitter. Criteria: ACMG Guidelines, 2015. Collection method: clinical testing. Allele origin: germline. Affected: no.

Genome-Nilou Lab
Classification: Likely pathogenic for Usher syndrome type 2A. Last evaluated: 2023-11-04. Review status: criteria provided, single submitter. Criteria: ACMG Guidelines, 2015. Collection method: clinical testing. Allele origin: germline. Affected: no.

Blueprint Genetics
Classification: Likely pathogenic for USH2A-related disorders. Last evaluated: 2023-03-23. Review status: criteria provided, single submitter. Criteria: ACMG Guidelines, 2015. Collection method: clinical testing. Allele origin: germline. Affected: yes. Observed: 1 variant allele.

Counsyl
Classification: Likely pathogenic for Usher syndrome type 2A; Retinitis pigmentosa 39. Last evaluated: 2018-05-23. Review status: no assertion criteria provided. Collection method: clinical testing. Allele origin: unknown. Not counted in ClinVar's aggregate classification.

Literature cited by the submitters: PubMed 10729113 (cited by Labcorp Genetics (formerly Invitae), Labcorp); PubMed 10909849 (cited by Labcorp Genetics (formerly Invitae), Labcorp); PubMed 20507924 (cited by Labcorp Genetics (formerly Invitae), Labcorp); PubMed 25649381 (cited by Labcorp Genetics (formerly Invitae), Labcorp).